The following is an entry in ClinVar:

NM_002335.4(LRP5):c.576G>A (p.Ser192=)

Gene: LRP5 (LDL receptor related protein 5; plus strand). Cytogenetic location: 11q13.2.
Variant type: single nucleotide variant.
Coding change: c.576G>A on transcript NM_002335.4 (MANE Select); coding-DNA position 576, G replaced by A.
Protein change: p.Ser192=; no amino-acid change (serine 192 retained).
Molecular consequence: synonymous variant. On other transcripts: 5 prime UTR variant (1).
Genome position (GRCh38, 1-based): chr11:68,357,737, G>A. VCF-style: chr11-68357737-G-A. GRCh37 (hg19) VCF-style: chr11-68125205-G-A.
Other names: c.-1190G>A (NM_001291902.2).
Identifiers: ClinVar variation 860778 (VCV000860778.12), dbSNP rs139063572, ClinGen allele CA6149059.

ClinVar aggregate classification (germline): Likely benign. Review status: criteria provided, multiple submitters, no conflicts (2 of 4 stars). 3 submissions from 3 submitters: Likely benign (3). Last evaluated 2025-11-19.

Conditions:
LRP5-related disorder. Also called: LRP5-related condition.

Allele frequency attached by ClinVar (database versions not stated): gnomAD exomes 0.00004 and 0.00008; ExAC 0.00006; 1000 Genomes Project 0.00020; ESP Exome Variant Server 0.00023; gnomAD 0.00023 and 0.00026; TOPMed 0.00029; 1000 Genomes Project 30x 0.00031.
gnomAD v4.1: 94 of 1,614,116 alleles (0.0058%); highest among the groups gnomAD compares: African/African-American, 0.11%; no homozygotes.

Submissions (3):

Labcorp Genetics (formerly Invitae), Labcorp
Classification: Likely benign. Last evaluated: 2025-11-19. Review status: criteria provided, single submitter. Criteria: Invitae Variant Classification Sherloc (09022015). Collection method: clinical testing. Allele origin: germline.

PreventionGenetics, part of Exact Sciences
Classification: Likely benign for LRP5-related condition. Last evaluated: 2024-11-26. Review status: criteria provided, single submitter. Criteria: ACMG Guidelines, 2015. Collection method: clinical testing. Allele origin: germline.
Comment: This variant is classified as likely benign based on ACMG/AMP sequence variant interpretation guidelines (Richards et al. 2015 PMID: 25741868, with internal and published modifications).

Blueprint Genetics
Classification: Likely benign. Last evaluated: 2023-04-17. Review status: criteria provided, single submitter. Criteria: ACMG Guidelines, 2015. Collection method: clinical testing. Allele origin: germline.